The following is an entry in ClinVar:

NM_001308093.3(GATA4):c.266G>A (p.Trp89Ter)

Gene: GATA4 (GATA binding protein 4). Cytogenetic location: 8p23.1.
Variant type: single nucleotide variant.
Coding change: c.266G>A on transcript NM_001308093.3 (MANE Select); coding-DNA position 266, G replaced by A.
Protein change: p.Trp89Ter; replaces tryptophan 89 with a stop codon.
Molecular consequence: nonsense. On other transcripts: intron variant (3).
Genome position (GRCh38, 1-based): chr8:11,708,578, G>A. VCF-style: chr8-11708578-G-A. GRCh37 (hg19) VCF-style: chr8-11566087-G-A.
Other names: c.266G>A, p.Trp89Ter (NM_002052.5); c.-6+7800G>A (NM_001308094.2); c.-3+564G>A (NM_001374274.1); c.-3+4274G>A (NM_001374273.1); short protein forms W89*.
Identifiers: ClinVar variation 1459470 (VCV001459470.6), dbSNP rs2130068999, ClinGen allele CA370309269.

ClinVar aggregate classification (germline): Pathogenic (1 of 4 stars; one submission).

Conditions:
Atrioventricular septal defect 4 (AVSD4). Identifiers: MedGen C3280781, MONDO:0013747, OMIM 614430.

Submission:

Labcorp Genetics (formerly Invitae), Labcorp
Classification: Pathogenic for Atrioventricular septal defect 4. Last evaluated: 2021-07-29. Review status: criteria provided, single submitter. Criteria: Invitae Variant Classification Sherloc (09022015). Collection method: clinical testing. Allele origin: germline.
Comment: For these reasons, this variant has been classified as Pathogenic. This variant has not been reported in the literature in individuals affected with GATA4-related conditions. The frequency data for this variant in the population databases is considered unreliable, as metrics indicate insufficient coverage at this position in the ExAC database. This sequence change creates a premature translational stop signal (p.Trp89*) in the GATA4 gene. It is expected to result in an absent or disrupted protein product. Loss-of-function variants in GATA4 are known to be pathogenic (PMID: 12845333, 15235040).

Literature cited by the submitters: PubMed 12845333; PubMed 15235040.